The following is an entry in ClinVar:

NM_001164508.2(NEB):c.22828G>T (p.Glu7610Ter)

Genes: NEB (nebulin; minus strand), RIF1 (replication timing regulatory factor 1; plus strand). Cytogenetic location: 2q23.3.
Variant type: single nucleotide variant.
Coding change: c.22828G>T on transcript NM_001164508.2 (MANE Select); coding-DNA position 22828, G replaced by T.
Protein change: p.Glu7610Ter; replaces glutamic acid 7610 with a stop codon.
Molecular consequence: nonsense.
Genome position (GRCh38, 1-based): chr2:151,516,536, C>A on the plus strand (G>T on the coding strand, the complement: NEB is on the minus strand). VCF-style: chr2-151516536-C-A. GRCh37 (hg19) VCF-style: chr2-152373050-C-A.
Other names: c.22828G>T, p.Glu7610Ter (NM_001164507.2); c.22933G>T, p.Glu7645Ter (NM_001271208.2); c.17725G>T, p.Glu5909Ter (NM_004543.5); short protein forms E5909*, E7610*, E7645*.
Identifiers: ClinVar variation 4854677 (VCV004854677.1).

ClinVar aggregate classification (germline): Pathogenic (1 of 4 stars; one submission).

Conditions:
Nemaline myopathy 2 (NEM2). Also called: Nemaline myopathy 2, autosomal recessive. Identifiers: MedGen C1850569, MONDO:0009725, OMIM 256030.

Submission:

3billion
Classification: Pathogenic for Nemaline myopathy 2. Last evaluated: 2025-09-18. Review status: criteria provided, single submitter. Criteria: ACMG Guidelines, 2015. Collection method: clinical testing. Allele origin: germline. Affected: yes.
Comment: The variant is not observed in the gnomAD v4.1.0 dataset. Predicted Consequence/Location: Stop-gained (nonsense): predicted to result in a loss or disruption of normal protein function through nonsense-mediated decay (NMD) or protein truncation. Multiple pathogenic variants are reported downstream of the variant. The variant has been reported to be associated with NEB-related disorder (PMID: 25205138). Therefore, this variant is classified as Pathogenic according to the recommendation of ACMG/AMP guideline.

Literature cited by the submitters: PubMed 25205138.